The following is an entry in ClinVar:

NM_001159773.2(CANT1):c.808C>T (p.Arg270Trp)

Gene: CANT1 (calcium activated nucleotidase 1; minus strand). Cytogenetic location: 17q25.3.
Variant type: single nucleotide variant.
Coding change: c.808C>T on transcript NM_001159773.2 (MANE Select); coding-DNA position 808, C replaced by T.
Protein change: p.Arg270Trp; replaces arginine 270 with tryptophan.
Molecular consequence: missense variant.
Genome position (GRCh38, 1-based): chr17:78,995,045, G>A on the plus strand (C>T on the coding strand, the complement: CANT1 is on the minus strand). VCF-style: chr17-78995045-G-A. GRCh37 (hg19) VCF-style: chr17-76991127-G-A.
Other names: c.808C>T, p.Arg270Trp (NM_001159772.2, NM_138793.4); short protein forms R270W.
Identifiers: ClinVar variation 1477701 (VCV001477701.3), dbSNP rs776518004, ClinGen allele CA8808607.

ClinVar aggregate classification (germline): Uncertain significance (1 of 4 stars; one submission).

Allele frequency attached by ClinVar (database versions not stated): gnomAD 0.00001; gnomAD exomes 0.00004; TOPMed 0.00002; ExAC 0.00003.
gnomAD v4.1: 51 of 1,588,738 alleles (0.0032%); highest among the groups gnomAD compares: Middle Eastern, 0.035%; no homozygotes.

Submission:

Labcorp Genetics (formerly Invitae), Labcorp
Classification: Uncertain significance. Last evaluated: 2021-11-10. Review status: criteria provided, single submitter. Criteria: Invitae Variant Classification Sherloc (09022015). Collection method: clinical testing. Allele origin: germline.
Comment: This sequence change replaces arginine, which is basic and polar, with tryptophan, which is neutral and slightly polar, at codon 270 of the CANT1 protein (p.Arg270Trp). The frequency data for this variant in the population databases is considered unreliable, as metrics indicate poor data quality at this position in the gnomAD database. This variant has not been reported in the literature in individuals affected with CANT1-related conditions. Algorithms developed to predict the effect of missense changes on protein structure and function are either unavailable or do not agree on the potential impact of this missense change (SIFT: "Deleterious"; PolyPhen-2: "Probably Damaging"; Align-GVGD: "Class C0"). In summary, the available evidence is currently insufficient to determine the role of this variant in disease. Therefore, it has been classified as a Variant of Uncertain Significance.